The following is an entry in ClinVar:

NM_020812.4(DOCK6):c.3751C>T (p.Arg1251Trp)

Genes: DOCK6 (dedicator of cytokinesis 6; minus strand), DOCK6-AS1 (DOCK6 antisense RNA 1; plus strand). Cytogenetic location: 19p13.2.
Variant type: single nucleotide variant.
Coding change: c.3751C>T on transcript NM_020812.4 (MANE Select); coding-DNA position 3751, C replaced by T.
Protein change: p.Arg1251Trp; replaces arginine 1251 with tryptophan.
Molecular consequence: missense variant.
Genome position (GRCh38, 1-based): chr19:11,217,057, G>A on the plus strand (C>T on the coding strand, the complement: DOCK6 is on the minus strand). VCF-style: chr19-11217057-G-A. GRCh37 (hg19) VCF-style: chr19-11327733-G-A.
Other names: c.3856C>T, p.Arg1286Trp (NM_001367830.1); short protein forms R1251W, R1286W.
Identifiers: ClinVar variation 2579332 (VCV002579332.1), dbSNP rs374788052, ClinGen allele CA9207136.
Genomic context (GRCh38, chr19:11,217,057, plus strand): 5'-GCTGCAGGAGCGCCGGCTCGGTGTTTTTCAGCACCCACAGCACACACGCCAGCAAGGTCC[G>A]GCTTGACTCAGCAGAGAGGGCACAGCCTGCGCGAGAAGCCTGGGGCCAGAGAGGAATCAA-3'
Protein context (NP_065863.2, residues 1241-1261): AGCALSAESS[Arg1251Trp]TLLACVLWVL

ClinVar aggregate classification (germline): Uncertain significance (1 of 4 stars; one submission).

Allele frequency attached by ClinVar (database versions not stated): TOPMed 0.00003; gnomAD 0.00005; ESP Exome Variant Server 0.00008.
gnomAD v4.1: 74 of 1,613,294 alleles (0.0046%); highest among the groups gnomAD compares: African/African-American, 0.0093%; no homozygotes.

Submission:

GeneDx
Classification: Uncertain significance. Last evaluated: 2023-03-05. Review status: criteria provided, single submitter. Criteria: GeneDx Variant Classification Process June 2021. Collection method: clinical testing. Allele origin: germline. Affected: yes.
Comment: In silico analysis supports that this missense variant has a deleterious effect on protein structure/function; Has not been previously published as pathogenic or benign to our knowledge